The following is an entry in ClinVar:

ClinVar aggregate classification (germline): Uncertain significance. Review status: criteria provided, multiple submitters, no conflicts (2 of 4 stars). 4 submissions from 4 submitters: Uncertain significance (4). Last evaluated 2026-03-27.

Conditions:
Familial hypocalciuric hypercalcemia (FHH). Also called: Familial benign hypercalcemia. Identifiers: Orphanet 405, MedGen C1809471, MONDO:0018458.
Autosomal dominant hypocalcemia 1 (HYPOC1). Also called: HYPOCALCEMIA, FAMILIAL. Identifiers: MedGen C3715128, MONDO:0011013, OMIM 601198.
Epilepsy, idiopathic generalized, susceptibility to, 8. Identifiers: MedGen C2752062, MONDO:0013032, OMIM 612899.
Familial hypocalciuric hypercalcemia 1. Also called: Hypercalcemia, familial benign type 1. Identifiers: Orphanet 405, Orphanet 93372, MedGen C0342637, MONDO:0007791, OMIM 145980.
Neonatal severe primary hyperparathyroidism. Identifiers: Orphanet 417, MedGen C1832615, MONDO:0009397, OMIM 239200.
Nephrolithiasis/nephrocalcinosis. Identifiers: MedGen CN580796.

Allele frequency attached by ClinVar (database versions not stated): gnomAD exomes below 0.00001; TOPMed below 0.00001; gnomAD 0.00001; ExAC 0.00002.
gnomAD v4.1: 2 of 1,613,842 alleles (0.00012%); highest among the groups gnomAD compares: East Asian, 0.0022%; no homozygotes.

Submissions (4):

Women's Health and Genetics/Laboratory Corporation of America, LabCorp
Classification: Uncertain significance. Last evaluated: 2026-03-27. Review status: criteria provided, single submitter. Criteria: LabCorp Variant Classification Summary - May 2015. Collection method: clinical testing. Allele origin: germline.
Comment: Variant summary: CASR c.53C>T (p.Ser18Phe) results in a non-conservative amino acid change in the encoded protein sequence. Algorithms developed to predict the effect of missense changes on protein structure and function all suggest that this variant is likely to be disruptive. The variant allele was found at a frequency of 4e-06 in 251372 control chromosomes. The available data on variant occurrences in the general population are insufficient to allow any conclusion about variant significance. To our knowledge, no occurrence of c.53C>T in individuals affected with CASR-related conditions and no experimental evidence demonstrating its impact on protein function have been reported. ClinVar contains an entry for this variant (Variation ID: 1350047). Based on the evidence outlined above, the variant was classified as uncertain significance.

Labcorp Genetics (formerly Invitae), Labcorp
Classification: Uncertain significance for Familial hypocalciuric hypercalcemia; Autosomal dominant hypocalcemia 1. Last evaluated: 2023-11-21. Review status: criteria provided, single submitter. Criteria: Invitae Variant Classification Sherloc (09022015). Collection method: clinical testing. Allele origin: germline.
Comment: This sequence change replaces serine, which is neutral and polar, with phenylalanine, which is neutral and non-polar, at codon 18 of the CASR protein (p.Ser18Phe). This variant is present in population databases (rs749748004, gnomAD 0.006%). This variant has not been reported in the literature in individuals affected with CASR-related conditions. ClinVar contains an entry for this variant (Variation ID: 1350047). An algorithm developed to predict the effect of missense changes on protein structure and function (PolyPhen-2) suggests that this variant is likely to be disruptive. In summary, the available evidence is currently insufficient to determine the role of this variant in disease. Therefore, it has been classified as a Variant of Uncertain Significance.

Fulgent Genetics
Classification: Uncertain significance for Familial hypocalciuric hypercalcemia 1; Neonatal severe primary hyperparathyroidism; Autosomal dominant hypocalcemia 1; Epilepsy, idiopathic generalized, susceptibility to, 8. Last evaluated: 2022-04-07. Review status: criteria provided, single submitter. Criteria: ACMG Guidelines, 2015. Collection method: clinical testing. Allele origin: unknown.

Ambry Genetics
Classification: Uncertain significance for Nephrolithiasis/nephrocalcinosis. Last evaluated: 2021-10-29. Review status: criteria provided, single submitter. Criteria: Ambry Variant Classification Scheme 2023. Collection method: clinical testing. Allele origin: germline.
Comment: The p.S18F variant (also known as c.53C>T), located in coding exon 1 of the CASR gene, results from a C to T substitution at nucleotide position 53. The serine at codon 18 is replaced by phenylalanine, an amino acid with highly dissimilar properties. This amino acid position is conserved. In addition, the in silico prediction for this alteration is inconclusive. Since supporting evidence is limited at this time, the clinical significance of this alteration remains unclear.

NM_000388.4(CASR):c.53C>T (p.Ser18Phe)

Gene: CASR (calcium sensing receptor; plus strand). Cytogenetic location: 3q21.1.
Variant type: single nucleotide variant.
Coding change: c.53C>T on transcript NM_000388.4 (MANE Select); coding-DNA position 53, C replaced by T.
Protein change: p.Ser18Phe; replaces serine 18 with phenylalanine.
Molecular consequence: missense variant.
Genome position (GRCh38, 1-based): chr3:122,254,242, C>T. VCF-style: chr3-122254242-C-T. GRCh37 (hg19) VCF-style: chr3-121973089-C-T.
Other names: c.53C>T, p.Ser18Phe (NM_001178065.2); short protein forms S18F.
Identifiers: ClinVar variation 1350047 (VCV001350047.10), dbSNP rs749748004, ClinGen allele CA2569409.